The following is an entry in ClinVar:

NM_194248.3(OTOF):c.2453G>A (p.Arg818Gln)

Gene: OTOF (otoferlin; minus strand). Cytogenetic location: 2p23.3.
Variant type: single nucleotide variant.
Coding change: c.2453G>A on transcript NM_194248.3 (MANE Select); coding-DNA position 2453, G replaced by A.
Protein change: p.Arg818Gln; replaces arginine 818 with glutamine.
Molecular consequence: missense variant.
Genome position (GRCh38, 1-based): chr2:26,477,242, C>T on the plus strand (G>A on the coding strand, the complement: OTOF is on the minus strand). VCF-style: chr2-26477242-C-T. GRCh37 (hg19) VCF-style: chr2-26700110-C-T.
Other names: c.2453G>A, p.Arg818Gln (NM_001287489.2); c.212G>A, p.Arg71Gln (NM_004802.4, NM_194323.3); c.383G>A, p.Arg128Gln (NM_194322.3); short protein forms R71Q, R128Q, R818Q.
Identifiers: ClinVar variation 666895 (VCV000666895.11), dbSNP rs748844952, ClinGen allele CA1563895.

ClinVar aggregate classification (germline): Uncertain significance. Review status: criteria provided, multiple submitters, no conflicts (2 of 4 stars). 4 submissions from 4 submitters: Uncertain significance (4). Last evaluated 2026-03-05.

Conditions:
Inborn genetic diseases. Identifiers: MedGen C0950123, MeSH D030342.

Allele frequency attached by ClinVar (database versions not stated): gnomAD exomes 0.00002; TOPMed below 0.00001; ExAC 0.00003.
gnomAD v4.1: 20 of 1,609,576 alleles (0.0012%); highest among the groups gnomAD compares: Admixed American, 0.0067%; no homozygotes.

Submissions (4):

GeneDx
Classification: Uncertain significance. Last evaluated: 2026-03-05. Review status: criteria provided, single submitter. Criteria: GeneDx Variant Classification Process June 2021. Collection method: clinical testing. Allele origin: germline.
Comment: Not observed at significant frequency in large population cohorts (gnomAD); In silico analysis suggests that this missense variant does not alter protein structure/function; Has not been previously published as pathogenic or benign to our knowledge

Ambry Genetics
Classification: Uncertain significance for Inborn genetic diseases. Last evaluated: 2025-07-31. Review status: criteria provided, single submitter. Criteria: Ambry Variant Classification Scheme 2023. Collection method: clinical testing. Allele origin: germline.

Labcorp Genetics (formerly Invitae), Labcorp
Classification: Uncertain significance. Last evaluated: 2021-12-02. Review status: criteria provided, single submitter. Criteria: Invitae Variant Classification Sherloc (09022015). Collection method: clinical testing. Allele origin: germline.
Comment: This sequence change replaces arginine, which is basic and polar, with glutamine, which is neutral and polar, at codon 818 of the OTOF protein (p.Arg818Gln). This variant is present in population databases (rs748844952, gnomAD 0.006%). This variant has not been reported in the literature in individuals affected with OTOF-related conditions. ClinVar contains an entry for this variant (Variation ID: 666895). Algorithms developed to predict the effect of missense changes on protein structure and function are either unavailable or do not agree on the potential impact of this missense change (SIFT: "Deleterious"; PolyPhen-2: "Benign"; Align-GVGD: "Class C0"). In summary, the available evidence is currently insufficient to determine the role of this variant in disease. Therefore, it has been classified as a Variant of Uncertain Significance.

Laboratory for Molecular Medicine, Mass General Brigham Personalized Medicine
Classification: Uncertain significance. Last evaluated: 2018-12-04. Review status: criteria provided, single submitter. Criteria: LMM Criteria. Collection method: clinical testing. Allele origin: germline. Observed: 1 variant allele.
Comment: The p.Arg818Gln variant in OTOF has not been previously reported in individuals with hearing loss or auditory neuropathy spectrum disorder, but has been identif ied in 0.003% (4/109134) of European chromosomes by gnomAD. Computational prediction tools and conservation analysis do not p rovide strong support for or against an impact to the protein. In summary, the c linical significance of the p.Arg818Gln variant is uncertain. ACMG/AMP Criteria applied: PM2.